The following is an entry in ClinVar:

ClinVar aggregate classification (germline): Uncertain significance (1 of 4 stars; one submission).

Submission:

GeneDx
Classification: Uncertain significance. Last evaluated: 2024-08-08. Review status: criteria provided, single submitter. Criteria: GeneDx Variant Classification Process June 2021. Collection method: clinical testing. Allele origin: germline. Affected: yes.
Comment: Not observed at significant frequency in large population cohorts (gnomAD); In silico analysis indicates that this missense variant does not alter protein structure/function; Has not been previously published as pathogenic or benign to our knowledge

NM_181552.4(CUX1):c.860G>A (p.Ser287Asn)

Gene: CUX1 (cut like homeobox 1; plus strand). Cytogenetic location: 7q22.1.
Variant type: single nucleotide variant.
Coding change: c.860G>A on transcript NM_181552.4 (MANE Select); coding-DNA position 860, G replaced by A.
Protein change: p.Ser287Asn; replaces serine 287 with asparagine.
Molecular consequence: missense variant.
Genome position (GRCh38, 1-based): chr7:102,178,500, G>A. VCF-style: chr7-102178500-G-A. GRCh37 (hg19) VCF-style: chr7-101821780-G-A.
Other names: c.893G>A, p.Ser298Asn (NM_001202543.2, NM_001913.5); c.845G>A, p.Ser282Asn (NM_001202544.3); c.755G>A, p.Ser252Asn (NM_001202545.3); c.776G>A, p.Ser259Asn (NM_001202546.3); c.887G>A, p.Ser296Asn (NM_181500.4); short protein forms S252N, S259N, S282N, S287N, S296N, S298N.
Identifiers: ClinVar variation 3602870 (VCV003602870.1).